The following is an entry in ClinVar:

NM_004415.4(DSP):c.6690G>A (p.Pro2230=)

Gene: DSP (desmoplakin; plus strand). Cytogenetic location: 6p24.3.
Variant type: single nucleotide variant.
Coding change: c.6690G>A on transcript NM_004415.4 (MANE Select); coding-DNA position 6690, G replaced by A.
Protein change: p.Pro2230=; no amino-acid change (proline 2230 retained).
Molecular consequence: synonymous variant.
Genome position (GRCh38, 1-based): chr6:7,583,952, G>A. VCF-style: chr6-7583952-G-A. GRCh37 (hg19) VCF-style: chr6-7584185-G-A.
Other names: c.6690G>A (NM_004415.3); c.4893G>A, p.Pro1631= (NM_001008844.3); c.5361G>A, p.Pro1787= (NM_001319034.2).
Identifiers: ClinVar variation 760492 (VCV000760492.15), dbSNP rs145751089, ClinGen allele CA048253.

ClinVar aggregate classification (germline): Likely benign. Review status: criteria provided, multiple submitters, no conflicts (2 of 4 stars). 6 submissions from 6 submitters: Likely benign (6). Last evaluated 2025-12-03.

Conditions:
Cardiomyopathy (CMYO). Also called: Cardiomyopathies. Identifiers: Orphanet 167848, MedGen C0878544, MONDO:0004994, HP:0001638. Inheritance: Various modes of inheritance.
Arrhythmogenic cardiomyopathy with wooly hair and keratoderma. Also called: Arrhythmogenic cardiomyopathy with woolly hair and keratoderma; Carvajal syndrome; PALMOPLANTAR KERATODERMA WITH LEFT VENTRICULAR CARDIOMYOPATHY AND WOOLLY HAIR; Dilated cardiomyopathy with woolly hair and keratoderma. Identifiers: Orphanet 65282, MedGen C1854063, MONDO:0011581, OMIM 605676.
DSP-related disorder. Also called: DSP-related disorders; DSP-related condition.
Arrhythmogenic right ventricular dysplasia 8 (ARVD8). Also called: Arrhythmogenic Right Ventricular Dysplasia/Cardiomyopathy 8; ARRHYTHMOGENIC RIGHT VENTRICULAR DYSPLASIA, FAMILIAL, 8; ARRHYTHMOGENIC RIGHT VENTRICULAR CARDIOMYOPATHY 8. Identifiers: MedGen C1843896, MONDO:0011831, OMIM 607450.
Cardiovascular phenotype. Identifiers: MedGen CN230736.

Allele frequency attached by ClinVar (database versions not stated): gnomAD exomes 0.00001 and 0.00002; ExAC 0.00002; gnomAD 0.00002; TOPMed 0.00002; ESP Exome Variant Server 0.00008.

Submissions (6):

Labcorp Genetics (formerly Invitae), Labcorp
Classification: Likely benign for Arrhythmogenic cardiomyopathy with wooly hair and keratoderma; Arrhythmogenic right ventricular dysplasia 8. Last evaluated: 2025-12-03. Review status: criteria provided, single submitter. Criteria: Invitae Variant Classification Sherloc (09022015). Collection method: clinical testing. Allele origin: germline.

PreventionGenetics, part of Exact Sciences
Classification: Likely benign for DSP-related condition. Last evaluated: 2025-07-02. Review status: criteria provided, single submitter. Criteria: ACMG Guidelines, 2015. Collection method: clinical testing. Allele origin: germline.
Comment: This variant is classified as likely benign based on ACMG/AMP sequence variant interpretation guidelines (Richards et al. 2015 PMID: 25741868, with internal and published modifications).

Ambry Genetics
Classification: Likely benign for Cardiovascular phenotype. Last evaluated: 2025-02-09. Review status: criteria provided, single submitter. Criteria: Ambry Variant Classification Scheme 2023. Collection method: clinical testing. Allele origin: germline.

All of Us Research Program, National Institutes of Health
Classification: Likely benign for Arrhythmogenic cardiomyopathy with wooly hair and keratoderma. Last evaluated: 2023-11-28. Review status: criteria provided, single submitter. Criteria: ACMG Guidelines, 2015. Collection method: clinical testing. Allele origin: germline. Inheritance: Autosomal dominant inheritance. Observed: 2 variant alleles, 2 heterozygotes.
Comment: This study involves interpretation of variants in research participants for the purpose of population health screening. Participant phenotype was not available at the time of variant classification. Additional details can be found in publication PMID: 35346344, PMCID: PMC8962531

Blueprint Genetics
Classification: Likely benign. Last evaluated: 2023-01-24. Review status: criteria provided, single submitter. Criteria: ACMG Guidelines, 2015. Collection method: clinical testing. Allele origin: germline.

Color Diagnostics, LLC DBA Color Health
Classification: Likely benign for Cardiomyopathy. Last evaluated: 2018-11-09. Review status: criteria provided, single submitter. Criteria: ACMG Guidelines, 2015. Collection method: clinical testing. Allele origin: germline.